The following is an entry in ClinVar:

ClinVar aggregate classification (germline): Uncertain significance. Review status: criteria provided, multiple submitters, no conflicts (2 of 4 stars). 5 submissions from 4 submitters: Uncertain significance (4). 1 of the submissions does not count toward it. Last evaluated 2020-06-26.

Conditions:
Autosomal recessive nonsyndromic hearing loss 12. Also called: DEAFNESS, AUTOSOMAL RECESSIVE 12. Identifiers: Orphanet 90636, MedGen C1832394, MONDO:0011067, OMIM 601386.
Usher syndrome type 1D (USH1D). Also called: USHER SYNDROME, TYPE ID. Identifiers: Orphanet 231169, Orphanet 886, MedGen C1832845, MONDO:0010984, OMIM 601067.
Usher syndrome type 1 (USH1). Also called: RETINITIS PIGMENTOSA AND CONGENITAL DEAFNESS. Identifiers: Orphanet 231169, Orphanet 886, MedGen C1568247, MONDO:0010168, OMIM 276900.

Allele frequency attached by ClinVar (database versions not stated): TOPMed 0.00003.

Submissions (5):

Blueprint Genetics
Classification: Uncertain significance. Last evaluated: 2020-06-26. Review status: criteria provided, single submitter. Criteria: ACMG Guidelines, 2015. Collection method: clinical testing. Allele origin: germline.

Illumina Laboratory Services, Illumina
Classification: Uncertain significance for Autosomal recessive nonsyndromic hearing loss 12. Last evaluated: 2018-01-13. Review status: criteria provided, single submitter. Criteria: ICSL Variant Classification Criteria 13 December 2019. Collection method: clinical testing. Allele origin: germline.

Illumina Laboratory Services, Illumina
Classification: Uncertain significance for Usher syndrome type 1D. Last evaluated: 2018-01-13. Review status: criteria provided, single submitter. Criteria: ICSL Variant Classification Criteria 13 December 2019. Collection method: clinical testing. Allele origin: germline.

Laboratory for Molecular Medicine, Mass General Brigham Personalized Medicine
Classification: Uncertain significance. Last evaluated: 2013-05-07. Review status: criteria provided, single submitter. Criteria: LMM Criteria. Collection method: clinical testing. Allele origin: germline. Observed: 1 variant allele.
Comment: The Gly123Arg variant in CDH23 has not been reported in the literature nor previ ously identified by our laboratory. Computational analyses (biochemical amino ac id properties, conservation, AlignGVGD, PolyPhen2, and SIFT) suggest that the Gl y123Arg variant may impact the protein, though this information is not predictiv e enough to determine pathogenicity. In summary, additional data is needed to de termine the clinical significance of this variant.

Natera, Inc.
Classification: Uncertain significance for Usher syndrome type 1. Last evaluated: 2020-04-01. Review status: no assertion criteria provided. Collection method: clinical testing. Allele origin: germline. Not counted in ClinVar's aggregate classification.

NM_022124.6(CDH23):c.367G>A (p.Gly123Arg)

Genes: CDH23 (cadherin related 23; plus strand), CDH23-AS1 (CDH23 antisense RNA 1; minus strand). Cytogenetic location: 10q22.1.
Variant type: single nucleotide variant.
Coding change: c.367G>A on transcript NM_022124.6 (MANE Select); coding-DNA position 367, G replaced by A.
Protein change: p.Gly123Arg; replaces glycine 123 with arginine.
Molecular consequence: missense variant.
Genome position (GRCh38, 1-based): chr10:71,511,150, G>A. VCF-style: chr10-71511150-G-A. GRCh37 (hg19) VCF-style: chr10-73270907-G-A.
Other names: c.367G>A, p.Gly123Arg (NM_001171930.2, NM_001171931.2, NM_001171932.2 and 1 more transcripts); short protein forms G123R.
Identifiers: ClinVar variation 178884 (VCV000178884.10), dbSNP rs727504513, ClinGen allele CA183224.